The following is an entry in ClinVar:

NM_001376.5(DYNC1H1):c.7268T>C (p.Met2423Thr)

Gene: DYNC1H1 (dynein cytoplasmic 1 heavy chain 1; plus strand). Cytogenetic location: 14q32.31.
Variant type: single nucleotide variant.
Coding change: c.7268T>C on transcript NM_001376.5 (MANE Select); coding-DNA position 7268, T replaced by C.
Protein change: p.Met2423Thr; replaces methionine 2423 with threonine.
Molecular consequence: missense variant.
Genome position (GRCh38, 1-based): chr14:102,015,881, T>C. VCF-style: chr14-102015881-T-C. GRCh37 (hg19) VCF-style: chr14-102482218-T-C.
Other names: short protein forms M2423T.
Identifiers: ClinVar variation 1943150 (VCV001943150.5), dbSNP rs2503767856, ClinGen allele CA391001755.

ClinVar aggregate classification (germline): Uncertain significance (1 of 4 stars; one submission).

Conditions:
Charcot-Marie-Tooth disease axonal type 2O. Also called: CHARCOT-MARIE-TOOTH NEUROPATHY, AXONAL, TYPE 2O; CHARCOT-MARIE-TOOTH DISEASE, AXONAL, AUTOSOMAL DOMINANT, TYPE 2O; Charcot-Marie-Tooth Neuropathy Type 2O; Charcot-Marie-Tooth disease, axonal, type 20. Identifiers: Orphanet 284232, MedGen C3280220, MONDO:0013644, OMIM 614228.

Allele frequency attached by ClinVar (database versions not stated): gnomAD exomes below 0.00001.
gnomAD v4.1: 1 of 1,614,252 alleles (0.000062%); highest among the groups gnomAD compares: Non-Finnish European, 0.000085%; no homozygotes.

Submission:

Labcorp Genetics (formerly Invitae), Labcorp
Classification: Uncertain significance for Charcot-Marie-Tooth disease axonal type 2O. Last evaluated: 2024-05-15. Review status: criteria provided, single submitter. Criteria: Invitae Variant Classification Sherloc (09022015). Collection method: clinical testing. Allele origin: germline.
Comment: This sequence change replaces methionine, which is neutral and non-polar, with threonine, which is neutral and polar, at codon 2423 of the DYNC1H1 protein (p.Met2423Thr). This variant is not present in population databases (gnomAD no frequency). This variant has not been reported in the literature in individuals affected with DYNC1H1-related conditions. ClinVar contains an entry for this variant (Variation ID: 1943150). Advanced modeling of protein sequence and biophysical properties (such as structural, functional, and spatial information, amino acid conservation, physicochemical variation, residue mobility, and thermodynamic stability) performed at Invitae indicates that this missense variant is not expected to disrupt DYNC1H1 protein function with a negative predictive value of 95%. In summary, the available evidence is currently insufficient to determine the role of this variant in disease. Therefore, it has been classified as a Variant of Uncertain Significance.